The following is an entry in ClinVar:

NM_000140.5(FECH):c.671T>C (p.Ile224Thr)

Gene: FECH (ferrochelatase; minus strand). Cytogenetic location: 18q21.31.
Variant type: single nucleotide variant.
Coding change: c.671T>C on transcript NM_000140.5 (MANE Select); coding-DNA position 671, T replaced by C.
Protein change: p.Ile224Thr; replaces isoleucine 224 with threonine.
Molecular consequence: missense variant.
Genome position (GRCh38, 1-based): chr18:57,562,908, A>G on the plus strand (T>C on the coding strand, the complement: FECH is on the minus strand). VCF-style: chr18-57562908-A-G. GRCh37 (hg19) VCF-style: chr18-55230140-A-G.
Other names: c.689T>C, p.Ile230Thr (NM_001012515.4); c.671T>C, p.Ile224Thr (NM_001371094.1, NM_001374778.1); c.455T>C, p.Ile152Thr (NM_001371095.1); short protein forms I224T, I230T, I152T.
Identifiers: ClinVar variation 2720064 (VCV002720064.3), dbSNP rs1409436248, ClinGen allele CA402535896.
Genomic context (GRCh38, chr18:57,562,908, plus strand): 5'-CAGGCAGCTGGCAAGCACTGGCTTACCTGGATGAGGAGGTGATGTGTGGGCCACCTGTCA[A>G]TAGTGCTCCACTTCATCGTGGGCTTCCGTCCCACTTGATTATAGTATCTGTAAATGGCAT-3'
Protein context (NP_000131.2, residues 214-234): GRKPTMKWST[Ile224Thr]DRWPTHHLLI

ClinVar aggregate classification (germline): Uncertain significance (1 of 4 stars; one submission).

Allele frequency attached by ClinVar (database versions not stated): TOPMed below 0.00001; gnomAD 0.00001.
gnomAD v4.1: 1 of 1,613,996 alleles (0.000062%); highest among the groups gnomAD compares: Non-Finnish European, 0.000085%; no homozygotes.

Submission:

Labcorp Genetics (formerly Invitae), Labcorp
Classification: Uncertain significance. Last evaluated: 2023-07-10. Review status: criteria provided, single submitter. Criteria: Invitae Variant Classification Sherloc (09022015). Collection method: clinical testing. Allele origin: germline.
Comment: This sequence change replaces isoleucine, which is neutral and non-polar, with threonine, which is neutral and polar, at codon 224 of the FECH protein (p.Ile224Thr). This variant is not present in population databases (gnomAD no frequency). This missense change has been observed in individuals with erythropoietic protoporphyria (PMID: 35152439; Invitae). Advanced modeling of protein sequence and biophysical properties (such as structural, functional, and spatial information, amino acid conservation, physicochemical variation, residue mobility, and thermodynamic stability) has been performed at Invitae for this missense variant, however the output from this modeling did not meet the statistical confidence thresholds required to predict the impact of this variant on FECH protein function. This variant disrupts the p.Ile224 amino acid residue in FECH. Other variant(s) that disrupt this residue have been observed in individuals with FECH-related conditions (PMID: 24279917), which suggests that this may be a clinically significant amino acid residue. In summary, the available evidence is currently insufficient to determine the role of this variant in disease. Therefore, it has been classified as a Variant of Uncertain Significance.

Literature cited by the submitters: PubMed 35152439; PubMed 24279917.